The following is an entry in ClinVar:

ClinVar aggregate classification (germline): Uncertain significance. Review status: criteria provided, multiple submitters, no conflicts (2 of 4 stars). 4 submissions from 4 submitters: Uncertain significance (4). Last evaluated 2025-03-13.

Conditions:
Inborn genetic diseases. Identifiers: MedGen C0950123, MeSH D030342.
Marinesco-Sjögren syndrome (MSS). Also called: Marinesco-Sjogren Syndrome; Marinesco-SjÃ¶gren syndrome. Identifiers: Orphanet 559, MedGen C0024814, MONDO:0009567, OMIM 248800.

Allele frequency attached by ClinVar (database versions not stated): TOPMed below 0.00001; ExAC 0.00002; gnomAD 0.00002; gnomAD exomes 0.00002.
gnomAD v4.1: 36 of 1,614,042 alleles (0.0022%); highest among the groups gnomAD compares: South Asian, 0.0033%; no homozygotes.

Submissions (4):

Athena Diagnostics
Classification: Uncertain significance. Last evaluated: 2025-03-13. Review status: criteria provided, single submitter. Criteria: Athena Diagnostics Criteria. Collection method: clinical testing. Allele origin: unknown.
Comment: Available data are insufficient to determine the clinical significance of the variant at this time. The frequency of this variant in the general population is uninformative in assessment of its pathogenicity. Polyphen and MutationTaster yielded discordant predictions regarding whether this amino acid change is damaging to the protein.

Ambry Genetics
Classification: Uncertain significance for Inborn genetic diseases. Last evaluated: 2023-11-17. Review status: criteria provided, single submitter. Criteria: Ambry Variant Classification Scheme 2023. Collection method: clinical testing. Allele origin: germline.

Labcorp Genetics (formerly Invitae), Labcorp
Classification: Uncertain significance for Marinesco-Sjögren syndrome. Last evaluated: 2022-07-06. Review status: criteria provided, single submitter. Criteria: Invitae Variant Classification Sherloc (09022015). Collection method: clinical testing. Allele origin: germline.
Comment: In summary, the available evidence is currently insufficient to determine the role of this variant in disease. Therefore, it has been classified as a Variant of Uncertain Significance. Algorithms developed to predict the effect of missense changes on protein structure and function are either unavailable or do not agree on the potential impact of this missense change (SIFT: "Deleterious"; PolyPhen-2: "Probably Damaging"; Align-GVGD: "Class C0"). This variant has not been reported in the literature in individuals affected with SIL1-related conditions. This variant is present in population databases (rs201222730, gnomAD 0.01%). This sequence change replaces arginine, which is basic and polar, with tryptophan, which is neutral and slightly polar, at codon 187 of the SIL1 protein (p.Arg187Trp).

Revvity Omics, Revvity
Classification: Uncertain significance for Marinesco-Sjögren syndrome. Last evaluated: 2019-08-12. Review status: criteria provided, single submitter. Criteria: ACMG Guidelines, 2015. Collection method: clinical testing. Allele origin: germline.

NM_022464.5(SIL1):c.559C>T (p.Arg187Trp)

Gene: SIL1 (SIL1 nucleotide exchange factor; minus strand). Cytogenetic location: 5q31.2.
Variant type: single nucleotide variant.
Coding change: c.559C>T on transcript NM_022464.5 (MANE Select); coding-DNA position 559, C replaced by T.
Protein change: p.Arg187Trp; replaces arginine 187 with tryptophan.
Molecular consequence: missense variant.
Genome position (GRCh38, 1-based): chr5:139,026,887, G>A on the plus strand (C>T on the coding strand, the complement: SIL1 is on the minus strand). VCF-style: chr5-139026887-G-A. GRCh37 (hg19) VCF-style: chr5-138362576-G-A.
Other names: c.559C>T, p.Arg187Trp (NM_001037633.2); c.559C>T (NM_022464.4); short protein forms R187W.
Identifiers: ClinVar variation 2077103 (VCV002077103.7), dbSNP rs201222730, ClinGen allele CA3432551.